The following is an entry in ClinVar:

ClinVar aggregate classification (germline): Uncertain significance. Review status: criteria provided, multiple submitters, no conflicts (2 of 4 stars). 3 submissions from 3 submitters: Uncertain significance (2). 1 of the submissions does not count toward it. Last evaluated 2024-04-25.

Conditions:
Fanconi anemia (FA). Also called: Fanconi's anemia. Identifiers: Orphanet 84, MedGen C0015625, MeSH D005199, MONDO:0019391.
Fanconi anemia complementation group A (FANCA). Also called: Fanconi anemia, group A; FANCA-Related Fanconi Anemia. Identifiers: Orphanet 84, MedGen C3469521, MONDO:0009215, OMIM 227650.

Allele frequency attached by ClinVar (database versions not stated): gnomAD exomes 0.00002; TOPMed 0.00002.
gnomAD v4.1: 11 of 1,614,184 alleles (0.00068%); highest among the groups gnomAD compares: Non-Finnish European, 0.00051%; no homozygotes.

Submissions (3):

Labcorp Genetics (formerly Invitae), Labcorp
Classification: Uncertain significance for Fanconi anemia. Last evaluated: 2024-04-25. Review status: criteria provided, single submitter. Criteria: Invitae Variant Classification Sherloc (09022015). Collection method: clinical testing. Allele origin: germline.
Comment: This sequence change replaces valine, which is neutral and non-polar, with phenylalanine, which is neutral and non-polar, at codon 372 of the FANCA protein (p.Val372Phe). This variant is present in population databases (no rsID available, gnomAD 0.003%). This variant has not been reported in the literature in individuals affected with FANCA-related conditions. ClinVar contains an entry for this variant (Variation ID: 662010). Advanced modeling of protein sequence and biophysical properties (such as structural, functional, and spatial information, amino acid conservation, physicochemical variation, residue mobility, and thermodynamic stability) performed at Invitae indicates that this missense variant is not expected to disrupt FANCA protein function with a negative predictive value of 80%. In summary, the available evidence is currently insufficient to determine the role of this variant in disease. Therefore, it has been classified as a Variant of Uncertain Significance.

Fulgent Genetics
Classification: Uncertain significance for Fanconi anemia complementation group A. Last evaluated: 2021-07-21. Review status: criteria provided, single submitter. Criteria: ACMG Guidelines, 2015. Collection method: clinical testing. Allele origin: unknown.

Natera, Inc.
Classification: Uncertain significance for Fanconi anemia. Last evaluated: 2020-02-28. Review status: no assertion criteria provided. Collection method: clinical testing. Allele origin: germline. Not counted in ClinVar's aggregate classification.

NM_000135.4(FANCA):c.1114G>T (p.Val372Phe)

Gene: FANCA (FA complementation group A; minus strand). Cytogenetic location: 16q24.3.
Variant type: single nucleotide variant.
Coding change: c.1114G>T on transcript NM_000135.4 (MANE Select); coding-DNA position 1114, G replaced by T.
Protein change: p.Val372Phe; replaces valine 372 with phenylalanine.
Molecular consequence: missense variant.
Genome position (GRCh38, 1-based): chr16:89,792,038, C>A on the plus strand (G>T on the coding strand, the complement: FANCA is on the minus strand). VCF-style: chr16-89792038-C-A. GRCh37 (hg19) VCF-style: chr16-89858446-C-A.
Other names: c.1114G>T (LRG_495t1); c.1114G>T, p.Val372Phe (NM_001286167.3); short protein forms V372F.
Identifiers: ClinVar variation 662010 (VCV000662010.9), dbSNP rs982286482, ClinGen allele CA286593359.